The following is an entry in ClinVar:

ClinVar aggregate classification (germline): Uncertain significance (1 of 4 stars; one submission).

Conditions:
Hereditary cancer-predisposing syndrome. Also called: Tumor predisposition; Hereditary Cancer Syndrome; Hereditary neoplastic syndrome; Neoplastic Syndromes, Hereditary. Identifiers: Orphanet 140162, MedGen C0027672, MeSH D009386, MONDO:0015356.

Submission:

Ambry Genetics
Classification: Uncertain significance for Hereditary cancer-predisposing syndrome. Last evaluated: 2024-05-31. Review status: criteria provided, single submitter. Criteria: Ambry Variant Classification Scheme 2023. Collection method: clinical testing. Allele origin: germline.
Comment: The p.I964V variant (also known as c.2890A>G), located in coding exon 17 of the ALK gene, results from an A to G substitution at nucleotide position 2890. The isoleucine at codon 964 is replaced by valine, an amino acid with highly similar properties. This amino acid position is conserved. In addition, this alteration is predicted to be tolerated by in silico analysis. Based on the available evidence, the clinical significance of this variant remains unclear.

NM_004304.5(ALK):c.2890A>G (p.Ile964Val)

Gene: ALK (ALK receptor tyrosine kinase; minus strand). Cytogenetic location: 2p23.2.
Variant type: single nucleotide variant.
Coding change: c.2890A>G on transcript NM_004304.5 (MANE Select); coding-DNA position 2890, A replaced by G.
Protein change: p.Ile964Val; replaces isoleucine 964 with valine.
Molecular consequence: missense variant.
Genome position (GRCh38, 1-based): chr2:29,227,598, T>C on the plus strand (A>G on the coding strand, the complement: ALK is on the minus strand). VCF-style: chr2-29227598-T-C. GRCh37 (hg19) VCF-style: chr2-29450464-T-C.
Other names: short protein forms I964V.
Identifiers: ClinVar variation 3286344 (VCV003286344.1).